The following is an entry in ClinVar:

NM_138927.4(SON):c.5868CAGCCGCACCCCCAGCCGCCG[1] (p.1957SRTPSRR[3])

Gene: SON (SON DNA and RNA binding protein; plus strand). Cytogenetic location: 21q22.11.
Variant type: Microsatellite.
Coding change: c.5868CAGCCGCACCCCCAGCCGCCG[1] on transcript NM_138927.4 (MANE Select); one copy of the 21-base unit CAGCCGCACCCCCAGCCGCCG starting at c.5868.
Protein change: p.1957SRTPSRR[3].
Molecular consequence: inframe deletion. On other transcripts: inframe indel (3), non-coding transcript variant (1), intron variant (1).
Genome position: GRCh38, VCF-style position (the base before the change): chr21:33,555,090. GRCh37 (hg19), VCF-style position (the base before the change): chr21:34,927,396.
Other names: c.5868CAGCCGCACCCCCAGCCGCCG[1], p.1957SRTPSRR[3] (NM_001291411.2, NM_032195.3); c.5868_5888CAGCCGCACCCCCAGCCGCCG[1], p.Ser1978_Arg1998del (NM_001412133.1, NM_058183.2, NM_138926.1); c.245-2036_245-1974del (NM_001291412.3).
Identifiers: ClinVar variation 2809178 (VCV002809178.26), dbSNP rs1462103775, ClinGen allele CA10009820.

ClinVar aggregate classification (germline): Uncertain significance. Review status: criteria provided, multiple submitters, no conflicts (2 of 4 stars). 3 submissions from 3 submitters: Uncertain significance (3). Last evaluated 2023-12-01.

Submissions (3):

CeGaT Center for Human Genetics Tuebingen
Classification: Uncertain significance. Last evaluated: 2023-12-01. Review status: criteria provided, single submitter. Criteria: CeGaT Center For Human Genetics Tuebingen Variant Classification Criteria Version 2. Collection method: clinical testing. Allele origin: germline. Affected: yes. Observed: 1 variant allele.
Comment: SON: PM4

Labcorp Genetics (formerly Invitae), Labcorp
Classification: Uncertain significance. Last evaluated: 2023-03-20. Review status: criteria provided, single submitter. Criteria: Invitae Variant Classification Sherloc (09022015). Collection method: clinical testing. Allele origin: germline.
Comment: This variant has not been reported in the literature in individuals affected with SON-related conditions. This variant, c.5889_5951del, results in the deletion of 21 amino acid(s) of the SON protein (p.Ser1978_Arg1998del), but otherwise preserves the integrity of the reading frame. This variant is not present in population databases (gnomAD no frequency). Experimental studies and prediction algorithms are not available or were not evaluated, and the functional significance of this variant is currently unknown. In summary, the available evidence is currently insufficient to determine the role of this variant in disease. Therefore, it has been classified as a Variant of Uncertain Significance.

Blueprint Genetics
Classification: Uncertain significance. Last evaluated: 2021-10-27. Review status: criteria provided, single submitter. Criteria: ACMG Guidelines, 2015. Collection method: clinical testing. Allele origin: germline.